The following is an entry in ClinVar:

ClinVar aggregate classification (germline): Uncertain significance (1 of 4 stars; one submission).

Conditions:
Ataxia-telangiectasia syndrome (AT). Also called: LOUIS-BAR SYNDROME; Cerebello-oculocutaneous telangiectasia; Immunodeficiency with ataxia telangiectasia; Ataxia telangiectasia (A-T); Ataxia-telangiectasia, complementation group D; AT, COMPLEMENTATION GROUP C. Identifiers: Orphanet 100, MedGen C0004135, MONDO:0008840, OMIM 208900.

Submission:

Labcorp Genetics (formerly Invitae), Labcorp
Classification: Uncertain significance for Ataxia-telangiectasia syndrome. Last evaluated: 2023-12-22. Review status: criteria provided, single submitter. Criteria: Invitae Variant Classification Sherloc (09022015). Collection method: clinical testing. Allele origin: germline.
Comment: This sequence change replaces alanine, which is neutral and non-polar, with valine, which is neutral and non-polar, at codon 2564 of the ATM protein (p.Ala2564Val). This variant is not present in population databases (gnomAD no frequency). This variant has not been reported in the literature in individuals affected with ATM-related conditions. An algorithm developed to predict the effect of missense changes on protein structure and function (PolyPhen-2) suggests that this variant is likely to be tolerated. In summary, the available evidence is currently insufficient to determine the role of this variant in disease. Therefore, it has been classified as a Variant of Uncertain Significance.

NM_000051.4(ATM):c.7691C>T (p.Ala2564Val)

Genes: ATM (ATM serine/threonine kinase; plus strand), C11orf65 (chromosome 11 open reading frame 65; minus strand). Cytogenetic location: 11q22.3.
Variant type: single nucleotide variant.
Coding change: c.7691C>T on transcript NM_000051.4 (MANE Select); coding-DNA position 7691, C replaced by T.
Protein change: p.Ala2564Val; replaces alanine 2564 with valine.
Molecular consequence: missense variant. On other transcripts: intron variant (2).
Genome position (GRCh38, 1-based): chr11:108,331,940, C>T. VCF-style: chr11-108331940-C-T. GRCh37 (hg19) VCF-style: chr11-108202667-C-T.
Other names: c.7691C>T, p.Ala2564Val (NM_001351834.2); c.641-22869G>A (NM_001330368.2); c.*38+3280G>A (NM_001351110.2); short protein forms A2564V.
Identifiers: ClinVar variation 2704949 (VCV002704949.3), dbSNP rs775295535, ClinGen allele CA382561017.